The following is an entry in ClinVar:

ClinVar aggregate classification (germline): Uncertain significance (1 of 4 stars; one submission).

Allele frequency attached by ClinVar (database versions not stated): gnomAD exomes below 0.00001; gnomAD 0.00001.
gnomAD v4.1: 2 of 1,609,674 alleles (0.00012%); highest among the groups gnomAD compares: African/African-American, 0.0013%; no homozygotes.

Submission:

Labcorp Genetics (formerly Invitae), Labcorp
Classification: Uncertain significance. Last evaluated: 2022-11-22. Review status: criteria provided, single submitter. Criteria: Invitae Variant Classification Sherloc (09022015). Collection method: clinical testing. Allele origin: germline.
Comment: This variant is present in population databases (no rsID available, gnomAD 0.005%). This sequence change replaces arginine, which is basic and polar, with lysine, which is basic and polar, at codon 582 of the SI protein (p.Arg582Lys). This variant has not been reported in the literature in individuals affected with SI-related conditions. In summary, the available evidence is currently insufficient to determine the role of this variant in disease. Therefore, it has been classified as a Variant of Uncertain Significance. Advanced modeling of protein sequence and biophysical properties (such as structural, functional, and spatial information, amino acid conservation, physicochemical variation, residue mobility, and thermodynamic stability) has been performed at Invitae for this missense variant, however the output from this modeling did not meet the statistical confidence thresholds required to predict the impact of this variant on SI protein function. ClinVar contains an entry for this variant (Variation ID: 1488953).

NM_001041.4(SI):c.1745G>A (p.Arg582Lys)

Gene: SI (sucrase-isomaltase; minus strand). Cytogenetic location: 3q26.1.
Variant type: single nucleotide variant.
Coding change: c.1745G>A on transcript NM_001041.4 (MANE Select); coding-DNA position 1745, G replaced by A.
Protein change: p.Arg582Lys; replaces arginine 582 with lysine.
Molecular consequence: missense variant.
Genome position (GRCh38, 1-based): chr3:165,046,983, C>T on the plus strand (G>A on the coding strand, the complement: SI is on the minus strand). VCF-style: chr3-165046983-C-T. GRCh37 (hg19) VCF-style: chr3-164764771-C-T.
Other names: short protein forms R582K.
Identifiers: ClinVar variation 1488953 (VCV001488953.8), dbSNP rs1422477424, ClinGen allele CA355052395.
Genomic context (GRCh38, chr3:165,046,983, plus strand): 5'-AACCAATGCGCAGCATGTCTTCCAGATCCAGCAAATGTTGAGCGGGTAAGAATGAAGCTT[C>T]TCTTATTAGGAAAAACTTTTTGTACAGCTCTAAAAATAAAACCAAATTAACAAATACAAT-3'
Protein context (NP_001032.2, residues 572-592): QAVQKVFPNK[Arg582Lys]SFILTRSTFA